The following is an entry in ClinVar:

ClinVar aggregate classification (germline): Uncertain significance (1 of 4 stars; one submission).

Allele frequency attached by ClinVar (database versions not stated): gnomAD exomes 0.00001; TOPMed 0.00001; gnomAD 0.00003.
gnomAD v4.1: 8 of 1,614,086 alleles (0.0005%); highest among the groups gnomAD compares: African/African-American, 0.011%; no homozygotes.

Submission:

Ambry Genetics
Classification: Uncertain significance. Last evaluated: 2023-09-04. Review status: criteria provided, single submitter. Criteria: Ambry Variant Classification Scheme 2023. Collection method: clinical testing. Allele origin: germline.
Comment: The p.T861I variant (also known as c.2582C>T), located in coding exon 16 of the POLQ gene, results from a C to T substitution at nucleotide position 2582. The threonine at codon 861 is replaced by isoleucine, an amino acid with similar properties. This amino acid position is conserved. In addition, this alteration is predicted to be tolerated by in silico analysis. Since supporting evidence is limited at this time, the clinical significance of this alteration remains unclear.

NM_199420.4(POLQ):c.2582C>T (p.Thr861Ile)

Gene: POLQ (DNA polymerase theta; minus strand). Cytogenetic location: 3q13.33.
Variant type: single nucleotide variant.
Coding change: c.2582C>T on transcript NM_199420.4 (MANE Select); coding-DNA position 2582, C replaced by T.
Protein change: p.Thr861Ile; replaces threonine 861 with isoleucine.
Molecular consequence: missense variant.
Genome position (GRCh38, 1-based): chr3:121,490,349, G>A on the plus strand (C>T on the coding strand, the complement: POLQ is on the minus strand). VCF-style: chr3-121490349-G-A. GRCh37 (hg19) VCF-style: chr3-121209196-G-A.
Other names: short protein forms T861I.
Identifiers: ClinVar variation 1793392 (VCV001793392.3), dbSNP rs1042142595, ClinGen allele CA81837010.
Genomic context (GRCh38, chr3:121,490,349, plus strand): 5'-TCCACTATAAGGGCTGCTGCTTCCCTTTCAGTTAAACCTTTTCTGCCAGTCACCCAGATA[G>A]TTCGCATATTGCGACGTTCTTCAACTGCTTCCTCTTCCTCATCCACTGCCTTCCGGGCAC-3'
Protein context (NP_955452.3, residues 851-871): EAVEERRNMR[Thr861Ile]IWVTGRKGLT